The following is an entry in ClinVar:

NM_016343.4(CENPF):c.3170T>G (p.Leu1057Arg)

Gene: CENPF (centromere protein F; plus strand). Cytogenetic location: 1q41.
Variant type: single nucleotide variant.
Coding change: c.3170T>G on transcript NM_016343.4 (MANE Select); coding-DNA position 3170, T replaced by G.
Protein change: p.Leu1057Arg; replaces leucine 1057 with arginine.
Molecular consequence: missense variant.
Genome position (GRCh38, 1-based): chr1:214,641,508, T>G. VCF-style: chr1-214641508-T-G. GRCh37 (hg19) VCF-style: chr1-214814851-T-G.
Other names: short protein forms L1057R.
Identifiers: ClinVar variation 758078 (VCV000758078.10), dbSNP rs538628701, ClinGen allele CA1390363.

ClinVar aggregate classification (germline): Conflicting classifications of pathogenicity. Review status: criteria provided, conflicting classifications (1 of 4 stars). 4 submissions from 4 submitters: Uncertain significance (1); Likely benign (3). Last evaluated 2026-05-20.

Conditions:
CENPF-related disorder. Also called: CENPF-related condition.
Inborn genetic diseases. Identifiers: MedGen C0950123, MeSH D030342.

Allele frequency attached by ClinVar (database versions not stated): gnomAD 0.00003 and 0.00015; TOPMed 0.00005; gnomAD exomes 0.00030 and 0.00034; ExAC 0.00032; 1000 Genomes Project 30x 0.00156; 1000 Genomes Project 0.00180.
gnomAD v4.1: 505 of 1,521,418 alleles (0.033%); highest among the groups gnomAD compares: South Asian, 0.33%; 7 homozygotes.

Submissions (4):

PreventionGenetics, part of Exact Sciences
Classification: Likely benign for CENPF-related condition. Last evaluated: 2026-05-20. Review status: criteria provided, single submitter. Criteria: ACMG Guidelines, 2015. Collection method: clinical testing. Allele origin: germline.
Comment: This variant is classified as likely benign based on ACMG/AMP sequence variant interpretation guidelines (Richards et al. 2015 PMID: 25741868, with internal and published modifications).

Labcorp Genetics (formerly Invitae), Labcorp
Classification: Likely benign. Last evaluated: 2026-01-08. Review status: criteria provided, single submitter. Criteria: Invitae Variant Classification Sherloc (09022015). Collection method: clinical testing. Allele origin: germline.

Blueprint Genetics
Classification: Likely benign. Last evaluated: 2024-11-25. Review status: criteria provided, single submitter. Criteria: ACMG Guidelines, 2015. Collection method: clinical testing. Allele origin: germline.

Ambry Genetics
Classification: Uncertain significance for Inborn genetic diseases. Last evaluated: 2022-05-25. Review status: criteria provided, single submitter. Criteria: Ambry Variant Classification Scheme 2023. Collection method: clinical testing. Allele origin: germline.